The following is an entry in ClinVar:

NM_001164665.2(KIAA1549):c.462C>G (p.Asp154Glu)

Gene: KIAA1549 (KIAA1549; minus strand). Cytogenetic location: 7q34.
Variant type: single nucleotide variant.
Coding change: c.462C>G on transcript NM_001164665.2 (MANE Select); coding-DNA position 462, C replaced by G.
Protein change: p.Asp154Glu; replaces aspartic acid 154 with glutamic acid.
Molecular consequence: missense variant.
Genome position (GRCh38, 1-based): chr7:138,919,164, G>C on the plus strand (C>G on the coding strand, the complement: KIAA1549 is on the minus strand). VCF-style: chr7-138919164-G-C. GRCh37 (hg19) VCF-style: chr7-138603910-G-C.
Other names: c.462C>G (NM_001164665.1); c.462C>G, p.Asp154Glu (NM_020910.3); short protein forms D154E.
Identifiers: ClinVar variation 1166133 (VCV001166133.13), dbSNP rs191728209, ClinGen allele CA4506941.

ClinVar aggregate classification (germline): Benign/Likely benign. Review status: criteria provided, multiple submitters, no conflicts (2 of 4 stars). 5 submissions from 5 submitters: Benign (2); Likely benign (2). 1 of the submissions does not count toward it. Last evaluated 2025-11-09.

Conditions:
KIAA1549-related disorder. Also called: KIAA1549-related condition.
Retinal dystrophy. Also called: Inherited retinal dystrophy. Identifiers: Orphanet 71862, MedGen C0854723, MeSH D058499, MONDO:0019118, HP:0000556.

Allele frequency attached by ClinVar (database versions not stated): 1000 Genomes Project 0.00040; 1000 Genomes Project 30x 0.00047.
gnomAD v4.1: 215 of 1,614,008 alleles (0.013%); highest among the groups gnomAD compares: East Asian, 0.4%; no homozygotes.

Submissions (5):

Labcorp Genetics (formerly Invitae), Labcorp
Classification: Benign. Last evaluated: 2025-11-09. Review status: criteria provided, single submitter. Criteria: Invitae Variant Classification Sherloc (09022015). Collection method: clinical testing. Allele origin: germline.

Blueprint Genetics
Classification: Likely benign. Last evaluated: 2024-10-08. Review status: criteria provided, single submitter. Criteria: ACMG Guidelines, 2015. Collection method: clinical testing. Allele origin: germline.

Dept Of Ophthalmology, Nagoya University
Classification: Likely benign for Retinal dystrophy. Last evaluated: 2023-10-01. Review status: criteria provided, single submitter. Criteria: Submitter's publication. Collection method: research. Allele origin: germline. Affected: yes.

Breakthrough Genomics
Classification: Benign. Review status: criteria provided, single submitter. Criteria: ACMG Guidelines, 2015. Collection method: not provided. Allele origin: germline. Inheritance: Autosomal recessive inheritance. Affected: yes.

PreventionGenetics, part of Exact Sciences
Classification: Likely benign for KIAA1549-related condition. Last evaluated: 2023-11-30. Review status: no assertion criteria provided. Collection method: clinical testing. Allele origin: germline. Not counted in ClinVar's aggregate classification.
Comment: This variant is classified as likely benign based on ACMG/AMP sequence variant interpretation guidelines (Richards et al. 2015 PMID: 25741868, with internal and published modifications).